The following is an entry in ClinVar:

ClinVar aggregate classification (germline): Uncertain significance. Review status: criteria provided, multiple submitters, no conflicts (2 of 4 stars). 2 submissions from 2 submitters: Uncertain significance (2). Last evaluated 2025-08-07.

Conditions:
Charcot-Marie-Tooth disease type 2. Also called: Charcot-Marie-Tooth type 2. Identifiers: Orphanet 64746, MedGen C0270914, MONDO:0018993.

Allele frequency attached by ClinVar (database versions not stated): gnomAD 0.00001; TOPMed below 0.00001; ExAC 0.00001; gnomAD exomes 0.00001.
gnomAD v4.1: 11 of 1,613,834 alleles (0.00068%); highest among the groups gnomAD compares: Admixed American, 0.0033%; no homozygotes.

Submissions (2):

Ambry Genetics
Classification: Uncertain significance. Last evaluated: 2025-08-07. Review status: criteria provided, single submitter. Criteria: Ambry Variant Classification Scheme 2023. Collection method: clinical testing. Allele origin: germline.
Comment: The p.R372W variant (also known as c.1114C>T), located in coding exon 11 of the KIF1B gene, results from a C to T substitution at nucleotide position 1114. The arginine at codon 372 is replaced by tryptophan, an amino acid with dissimilar properties. This amino acid position is highly conserved in available vertebrate species. In addition, this alteration is predicted to be deleterious by in silico analysis. Since supporting evidence is limited at this time, the clinical significance of this alteration remains unclear.

Labcorp Genetics (formerly Invitae), Labcorp
Classification: Uncertain significance for Charcot-Marie-Tooth disease type 2. Last evaluated: 2024-02-02. Review status: criteria provided, single submitter. Criteria: Invitae Variant Classification Sherloc (09022015). Collection method: clinical testing. Allele origin: germline.
Comment: This sequence change replaces arginine, which is basic and polar, with tryptophan, which is neutral and slightly polar, at codon 372 of the KIF1B protein (p.Arg372Trp). This variant is present in population databases (rs767973481, gnomAD 0.003%). This variant has not been reported in the literature in individuals affected with KIF1B-related conditions. ClinVar contains an entry for this variant (Variation ID: 1795893). Advanced modeling of protein sequence and biophysical properties (such as structural, functional, and spatial information, amino acid conservation, physicochemical variation, residue mobility, and thermodynamic stability) performed at Invitae indicates that this missense variant is expected to disrupt KIF1B protein function with a positive predictive value of 80%. In summary, the available evidence is currently insufficient to determine the role of this variant in disease. Therefore, it has been classified as a Variant of Uncertain Significance.

NM_001365951.3(KIF1B):c.1132C>T (p.Arg378Trp)

Gene: KIF1B (kinesin family member 1B; plus strand). Cytogenetic location: 1p36.22.
Variant type: single nucleotide variant.
Coding change: c.1132C>T on transcript NM_001365951.3 (MANE Select); coding-DNA position 1132, C replaced by T.
Protein change: p.Arg378Trp; replaces arginine 378 with tryptophan.
Molecular consequence: missense variant.
Genome position (GRCh38, 1-based): chr1:10,278,080, C>T. VCF-style: chr1-10278080-C-T. GRCh37 (hg19) VCF-style: chr1-10338138-C-T.
Other names: c.1132C>T, p.Arg378Trp (NM_001365952.1); c.1114C>T, p.Arg372Trp (NM_001365953.1, NM_015074.3, NM_183416.4); short protein forms R372W, R378W.
Identifiers: ClinVar variation 1795893 (VCV001795893.9), dbSNP rs767973481, ClinGen allele CA580892.
Genomic context (GRCh38, chr1:10,278,080, plus strand): 5'-GCTGTTATCAATGAGGACCCCAATGCCAAACTGGTTCGTGAATTAAAGGAGGAGGTGACA[C>T]GGCTGAAGGACCTTCTTCGTGCTCAGGGCCTGGGAGATATTATTGATAGTAAGTGAATTA-3'
Protein context (NP_001352880.1, residues 368-388): LVRELKEEVT[Arg378Trp]LKDLLRAQGL